The following is an entry in ClinVar:

NM_001034850.3(RETREG1):c.103G>A (p.Ala35Thr)

Genes: RETREG1 (reticulophagy regulator 1; minus strand), RETREG1-AS1 (RETREG1 antisense RNA 1; plus strand), LOC129993734 (ATAC-STARR-seq lymphoblastoid silent region 15947; plus strand). Cytogenetic location: 5p15.1.
Variant type: single nucleotide variant.
Coding change: c.103G>A on transcript NM_001034850.3 (MANE Select); coding-DNA position 103, G replaced by A.
Protein change: p.Ala35Thr; replaces alanine 35 with threonine.
Molecular consequence: missense variant.
Genome position (GRCh38, 1-based): chr5:16,616,869, C>T on the plus strand (G>A on the coding strand, the complement: RETREG1 is on the minus strand). VCF-style: chr5-16616869-C-T. GRCh37 (hg19) VCF-style: chr5-16616978-C-T.
Other names: short protein forms A35T.
Identifiers: ClinVar variation 582519 (VCV000582519.9), dbSNP rs1368707514, ClinGen allele CA359293017.

ClinVar aggregate classification (germline): Uncertain significance. Review status: criteria provided, multiple submitters, no conflicts (2 of 4 stars). 2 submissions from 2 submitters: Uncertain significance (2). Last evaluated 2022-08-06.

Conditions:
Inborn genetic diseases. Identifiers: MedGen C0950123, MeSH D030342.

Allele frequency attached by ClinVar (database versions not stated): gnomAD 0.00001; TOPMed 0.00001.
gnomAD v4.1: 24 of 1,501,106 alleles (0.0016%); highest among the groups gnomAD compares: South Asian, 0.0037%; no homozygotes.

Submissions (2):

Labcorp Genetics (formerly Invitae), Labcorp
Classification: Uncertain significance. Last evaluated: 2022-08-06. Review status: criteria provided, single submitter. Criteria: Invitae Variant Classification Sherloc (09022015). Collection method: clinical testing. Allele origin: germline.
Comment: This sequence change replaces alanine, which is neutral and non-polar, with threonine, which is neutral and polar, at codon 35 of the RETREG1 protein (p.Ala35Thr). This variant is not present in population databases (gnomAD no frequency). This variant has not been reported in the literature in individuals affected with RETREG1-related conditions. ClinVar contains an entry for this variant (Variation ID: 582519). Algorithms developed to predict the effect of missense changes on protein structure and function are either unavailable or do not agree on the potential impact of this missense change (SIFT: "Tolerated"; PolyPhen-2: "Not Available"; Align-GVGD: "Class C0"). In summary, the available evidence is currently insufficient to determine the role of this variant in disease. Therefore, it has been classified as a Variant of Uncertain Significance.

Ambry Genetics
Classification: Uncertain significance for Inborn genetic diseases. Last evaluated: 2020-12-08. Review status: criteria provided, single submitter. Criteria: Ambry Variant Classification Scheme 2023. Collection method: clinical testing. Allele origin: germline.
Comment: The p.A35T variant (also known as c.103G>A), located in coding exon 1 of the FAM134B gene, results from a G to A substitution at nucleotide position 103. The alanine at codon 35 is replaced by threonine, an amino acid with similar properties. This amino acid position is poorly conserved in available vertebrate species. In addition, this alteration is predicted to be tolerated by in silico analysis. Since supporting evidence is limited at this time, the clinical significance of this alteration remains unclear.